The following is an entry in ClinVar:

ClinVar aggregate classification (germline): Uncertain significance (1 of 4 stars; one submission).

Conditions:
Hereditary spastic paraplegia 47. Also called: adaptor protein 4 (AP-4) deficiency syndrome; Spastic paraplegia 47, autosomal recessive; CEREBRAL PALSY, SPASTIC QUADRIPLEGIC, 5. Identifiers: Orphanet 280763, MedGen C3279738, MONDO:0013551, OMIM 614066.

Allele frequency attached by ClinVar (database versions not stated): TOPMed below 0.00001.

Submission:

Labcorp Genetics (formerly Invitae), Labcorp
Classification: Uncertain significance for Hereditary spastic paraplegia 47. Last evaluated: 2023-07-17. Review status: criteria provided, single submitter. Criteria: Invitae Variant Classification Sherloc (09022015). Collection method: clinical testing. Allele origin: germline.
Comment: An algorithm developed to predict the effect of missense changes on protein structure and function (PolyPhen-2) suggests that this variant is likely to be tolerated. In summary, the available evidence is currently insufficient to determine the role of this variant in disease. Therefore, it has been classified as a Variant of Uncertain Significance. ClinVar contains an entry for this variant (Variation ID: 955294). This variant has not been reported in the literature in individuals affected with AP4B1-related conditions. This variant is not present in population databases (gnomAD no frequency). This sequence change replaces alanine, which is neutral and non-polar, with valine, which is neutral and non-polar, at codon 641 of the AP4B1 protein (p.Ala641Val).

NM_001253852.3(AP4B1):c.1922C>T (p.Ala641Val)

Genes: AP4B1 (adaptor related protein complex 4 subunit beta 1; minus strand), AP4B1-AS1 (AP4B1 antisense RNA 1; plus strand). Cytogenetic location: 1p13.2.
Variant type: single nucleotide variant.
Coding change: c.1922C>T on transcript NM_001253852.3 (MANE Select); coding-DNA position 1922, C replaced by T.
Protein change: p.Ala641Val; replaces alanine 641 with valine.
Molecular consequence: missense variant.
Genome position (GRCh38, 1-based): chr1:113,895,363, G>A on the plus strand (C>T on the coding strand, the complement: AP4B1 is on the minus strand). VCF-style: chr1-113895363-G-A. GRCh37 (hg19) VCF-style: chr1-114437985-G-A.
Other names: c.1625C>T, p.Ala542Val (NM_001253853.3); c.1418C>T, p.Ala473Val (NM_001308312.2); c.1922C>T, p.Ala641Val (NM_006594.5); short protein forms A473V, A542V, A641V.
Identifiers: ClinVar variation 955294 (VCV000955294.9), dbSNP rs1667332064, ClinGen allele CA341706951.
Genomic context (GRCh38, chr1:113,895,363, plus strand): 5'-AGAGCCATCTGGAGGGTGTCAGGATGGAATTCTCCCCGCCAAGGCAACACTTGCTGATGA[G>A]CAACTTTAAGGCTAAGCCAAGTTTTCTCAAAATAATCAGCAGTAAGCTGGCGATTGGGGA-3'
Protein context (NP_001240781.1, residues 631-651): FEKTWLSLKV[Ala641Val]HQQVLPWRGE